The following is an entry in ClinVar:

ClinVar aggregate classification (germline): Uncertain significance. Review status: reviewed by expert panel (3 of 4 stars). 3 submissions from 3 submitters: Uncertain significance (1). 2 of the submissions do not count toward it. Last evaluated 2024-07-22.

Conditions:
Mitochondrial disease. Also called: Mitochondrial disorder; Mitochondrial disorders. Identifiers: Orphanet 68380, MedGen C0751651, MeSH D028361, MONDO:0044970.
MERRF syndrome (MERRF). Also called: Myoclonus with epilepsy with ragged red fibers; Myoencephalopathy ragged-red fiber disease; MYOCLONIC EPILEPSY ASSOCIATED WITH RAGGED-RED FIBERS. Identifiers: Orphanet 551, MedGen C0162672, MONDO:0010790, OMIM 545000.

Submissions (3):

ClinGen Mitochondrial Disease Nuclear and Mitochondrial  Variant Curation Expert Panel, ClinGen
Classification: Uncertain significance for Mitochondrial disease. Last evaluated: 2024-07-22. Review status: reviewed by expert panel. Criteria: clingen mito disease acmg specifications v1-1. Collection method: curation. Allele origin: germline. Inheritance: Mitochondrial inheritance.
Comment: The m.8361G>A variant in MT-TK has been reported in one individual with primary mitochondrial disease (PMID: 14681892). This individual had seizures onset following febrile illness, ataxia, progressive cognitive and motor regression, sensorimotor neuropathy, and progressive bilateral sensorineural hearing loss. Brain imaging showed cerebral atrophy. Muscle biopsy showed multiple ragged red and COX-negative/SDH-positive fibers. The variant was present at 82% heteroplasmy in muscle, 34% in skin, and 24% in blood. This variant is absent in the GenBank dataset, Helix dataset, and gnomAD v3.1.2 (PM2_supporting). MitoTIP predicts the variant is likely pathogenic (64.8 percentile) and HmtVAR predicts the variant is pathogenic (score of 0.55; PP3). Single fiber testing showed positive correlation between high levels of the variant and COX-negative fibers (PS3_supporting, PMID: 14681892). In summary, this variant meets criteria to be classified as uncertain significance for primary mitochondrial disease inherited in a mitochondrial manner. This classification was approved by the NICHD/NINDS U24 ClinGen Mitochondrial Disease Variant Curation Expert Panel on July 22, 2024. Mitochondrial DNA-specific ACMG/AMP criteria applied (PMID: 32906214): PM2_supporting, PP3, PS3_supporting.

OMIM
Classification: Pathogenic for MERRF SYNDROME. Last evaluated: 2003-12-01. Review status: no assertion criteria provided. Collection method: literature only. Allele origin: germline. Not counted in ClinVar's aggregate classification.

GeneReviews
No classification provided. Condition: MERRF syndrome. Review status: no classification provided. Collection method: literature only. Allele origin: maternal. Not counted in ClinVar's aggregate classification.
Comment: Pathogenic variants identified in approximately 10% of persons w/MERRF

Literature cited by the submitters: PubMed 14681892 (cited by OMIM and GeneReviews); PubMed 20301693 (cited by GeneReviews).

NC_012920.1(MT-TK):m.8361G>A

Gene: MT-TK (mitochondrially encoded tRNA lysine; plus strand).
Variant type: single nucleotide variant.
Genome position: chrM-8361-G-A.
Other names: G8361A; 8361G-A.
Identifiers: ClinVar variation 9585 (VCV000009585.8), dbSNP rs118192104, ClinGen allele CA340925.
Genomic context (GRCh38, chrMT:8,361, plus strand): 5'-AAAGCTAACTTAGCATTAACCTTTTAAGTTAAAGATTAAGAGAACCAACACCTCTTTACA[G>A]TGAAATGCCCCAACTAAATACTACCGTATGGCCCACCATAATTACCCCCATACTCCTTAC-3'